The following is an entry in ClinVar:

ClinVar aggregate classification (germline): Pathogenic (1 of 4 stars; one submission).

Submission:

Labcorp Genetics (formerly Invitae), Labcorp
Classification: Pathogenic. Last evaluated: 2023-03-01. Review status: criteria provided, single submitter. Criteria: Invitae Variant Classification Sherloc (09022015). Collection method: clinical testing. Allele origin: germline.
Comment: For these reasons, this variant has been classified as Pathogenic. Algorithms developed to predict the effect of sequence changes on RNA splicing suggest that this variant may disrupt the consensus splice site. This variant has not been reported in the literature in individuals affected with HPS1-related conditions. This variant is not present in population databases (gnomAD no frequency). This sequence change creates a premature translational stop signal (p.Thr322Glyfs*132) in the HPS1 gene. It is expected to result in an absent or disrupted protein product. Loss-of-function variants in HPS1 are known to be pathogenic (PMID: 12442288, 16185271).

Literature cited by the submitters: PubMed 12442288; PubMed 16185271.

NM_000195.5(HPS1):c.959_962dup (p.Thr322fs)

Gene: HPS1 (HPS1 biogenesis of lysosomal organelles complex 3 subunit 1; minus strand). Cytogenetic location: 10q24.2.
Variant type: Duplication.
Coding change: c.959_962dup on transcript NM_000195.5 (MANE Select); coding-DNA positions 959 to 962, 4 bases duplicated (GGGG; older notation c.959_962dupGGGG).
Protein change: p.Thr322fs; shifts the reading frame from threonine 322.
Molecular consequence: frameshift variant. On other transcripts: 5 prime UTR variant (3).
Genome position (GRCh38, 1-based): chr10:98,427,240-98,427,243, CCCC duplicated on the plus strand (GGGG on the coding strand, the reverse complement: HPS1 is on the minus strand); duplicating any 4 consecutive bases within chr10:98,427,240-98,427,245 gives the same sequence; the c. name uses the placement nearest the transcript's 3' end. VCF-style (leftmost placement, unchanged base first): chr10-98427239-G-GCCCC. GRCh37 (hg19) VCF-style: chr10-100186996-G-GCCCC.
Other names: c.-14_-11dup (NM_001311345.2, NM_001322487.2, NM_001322489.2); c.959_962dup, p.Thr322fs (NM_001322476.2, NM_001322477.2); c.860_863dup, p.Thr289fs (NM_001322478.2, NM_001322479.2); c.698_701dup, p.Thr235fs (NM_001322480.2, NM_001322481.2); c.599_602dup, p.Thr202fs (NM_001322482.2); c.590_593dup, p.Thr199fs (NM_001322483.2, NM_001322484.2); c.491_494dup, p.Thr166fs (NM_001322485.2); short protein forms T166fs, T202fs, T289fs, T322fs, T235fs, T199fs.
Identifiers: ClinVar variation 2834556 (VCV002834556.3), dbSNP rs281865081, ClinGen allele CA2739270999.